The following is an entry in ClinVar:

ClinVar aggregate classification (germline): Uncertain significance (1 of 4 stars; one submission).

Conditions:
Hereditary cancer-predisposing syndrome. Also called: Neoplastic Syndromes, Hereditary; Tumor predisposition; Hereditary Cancer Syndrome; Hereditary neoplastic syndrome. Identifiers: Orphanet 140162, MedGen C0027672, MeSH D009386, MONDO:0015356.

gnomAD v4.1: 1 of 1,614,066 alleles (0.000062%); highest among the groups gnomAD compares: African/African-American, 0.0013%; no homozygotes.

Submission:

Ambry Genetics
Classification: Uncertain significance for Hereditary cancer-predisposing syndrome. Last evaluated: 2026-06-09. Review status: criteria provided, single submitter. Criteria: Ambry Variant Classification Scheme 2023. Collection method: clinical testing. Allele origin: germline.
Comment: The p.T1073A variant (also known as c.3217A>G), located in coding exon 15 of the APC gene, results from an A to G substitution at nucleotide position 3217. The threonine at codon 1073 is replaced by alanine, an amino acid with similar properties. This amino acid position is conserved. In addition, in silico predictors for this gene do not accurately predict pathogenicity. Based on the available evidence, the clinical significance of this variant remains unclear.

NM_000038.6(APC):c.3217A>G (p.Thr1073Ala)

Gene: APC (APC regulator of Wnt signaling pathway; plus strand). Cytogenetic location: 5q22.2.
Variant type: single nucleotide variant.
Coding change: c.3217A>G on transcript NM_000038.6 (MANE Select); coding-DNA position 3217, A replaced by G.
Protein change: p.Thr1073Ala; replaces threonine 1073 with alanine.
Molecular consequence: missense variant. On other transcripts: non-coding transcript variant (2).
Genome position (GRCh38, 1-based): chr5:112,838,811, A>G. VCF-style: chr5-112838811-A-G. GRCh37 (hg19) VCF-style: chr5-112174508-A-G.
Other names: c.3217A>G, p.Thr1073Ala (NM_001127510.3, NM_001354895.2, NM_001407450.1); c.3163A>G, p.Thr1055Ala (NM_001127511.3); c.3271A>G, p.Thr1091Ala (NM_001354896.2, NM_001407447.1, NM_001407448.1 and 1 more transcripts); c.3247A>G, p.Thr1083Ala (NM_001354897.2); c.3142A>G, p.Thr1048Ala (NM_001354898.2); c.3133A>G, p.Thr1045Ala (NM_001354899.2); c.3094A>G, p.Thr1032Ala (NM_001354900.2); c.3040A>G, p.Thr1014Ala (NM_001354901.2, NM_001407453.1); and 11 more; short protein forms T1014A, T1032A, T1045A, T1048A, T1055A, T1063A, T1066A, T1073A.
Identifiers: ClinVar variation 4862036 (VCV004862036.1).